The following is an entry in ClinVar:

ClinVar aggregate classification (germline): Uncertain significance (1 of 4 stars; one submission).

Allele frequency attached by ClinVar (database versions not stated): TOPMed below 0.00001.
gnomAD v4.1: 1 of 1,614,152 alleles (0.000062%); highest among the groups gnomAD compares: Non-Finnish European, 0.000085%; no homozygotes.

Submission:

Women's Health and Genetics/Laboratory Corporation of America, LabCorp
Classification: Uncertain significance. Last evaluated: 2023-08-08. Review status: criteria provided, single submitter. Criteria: LabCorp Variant Classification Summary - May 2015. Collection method: clinical testing. Allele origin: germline.
Comment: Variant summary: PKLR c.997A>G (p.Ile333Val) results in a conservative amino acid change located in the Pyruvate kinase, barrel domain (IPR015793) of the encoded protein sequence. Three of five in-silico tools predict a benign effect of the variant on protein function. The variant was absent in 251264 control chromosomes. The available data on variant occurrences in the general population are insufficient to allow any conclusion about variant significance. To our knowledge, no occurrence of c.997A>G in individuals affected with Pyruvate Kinase Deficiency Of Red Cells and no experimental evidence demonstrating its impact on protein function have been reported. No submitters have cited clinical-significance assessments for this variant to ClinVar after 2014. Based on the evidence outlined above, the variant was classified as uncertain significance.

NM_000298.6(PKLR):c.997A>G (p.Ile333Val)

Gene: PKLR (pyruvate kinase L/R; minus strand). Cytogenetic location: 1q22.
Variant type: single nucleotide variant.
Coding change: c.997A>G on transcript NM_000298.6 (MANE Select); coding-DNA position 997, A replaced by G.
Protein change: p.Ile333Val; replaces isoleucine 333 with valine.
Molecular consequence: missense variant.
Genome position (GRCh38, 1-based): chr1:155,294,354, T>C on the plus strand (A>G on the coding strand, the complement: PKLR is on the minus strand). VCF-style: chr1-155294354-T-C. GRCh37 (hg19) VCF-style: chr1-155264145-T-C.
Other names: c.904A>G, p.Ile302Val (NM_181871.4); short protein forms I302V, I333V.
Identifiers: ClinVar variation 2581554 (VCV002581554.1), dbSNP rs1647418569, ClinGen allele CA342753526.